The following is an entry in ClinVar:

NM_000122.2(ERCC3):c.943G>C (p.Val315Leu)

Gene: ERCC3 (ERCC excision repair 3, TFIIH core complex helicase subunit; minus strand). Cytogenetic location: 2q14.3.
Variant type: single nucleotide variant.
Coding change: c.943G>C on transcript NM_000122.2 (MANE Select); coding-DNA position 943, G replaced by C.
Protein change: p.Val315Leu; replaces valine 315 with leucine.
Molecular consequence: missense variant.
Genome position (GRCh38, 1-based): chr2:127,288,744, C>G on the plus strand (G>C on the coding strand, the complement: ERCC3 is on the minus strand). VCF-style: chr2-127288744-C-G. GRCh37 (hg19) VCF-style: chr2-128046320-C-G.
Other names: c.751G>C, p.Val251Leu (NM_001303416.2, NM_001303418.2); short protein forms V251L, V315L.
Identifiers: ClinVar variation 1493583 (VCV001493583.7), dbSNP rs1685164794, ClinGen allele CA348390345.

ClinVar aggregate classification (germline): Uncertain significance (1 of 4 stars; one submission).

Allele frequency attached by ClinVar (database versions not stated): TOPMed 0.00001.

Submission:

Labcorp Genetics (formerly Invitae), Labcorp
Classification: Uncertain significance. Last evaluated: 2021-05-10. Review status: criteria provided, single submitter. Criteria: Invitae Variant Classification Sherloc (09022015). Collection method: clinical testing. Allele origin: germline.
Comment: This sequence change replaces valine with leucine at codon 315 of the ERCC3 protein (p.Val315Leu). The valine residue is moderately conserved and there is a small physicochemical difference between valine and leucine. This variant is not present in population databases (ExAC no frequency). This variant has not been reported in the literature in individuals with ERCC3-related conditions. Algorithms developed to predict the effect of missense changes on protein structure and function (SIFT, PolyPhen-2, Align-GVGD) all suggest that this variant is likely to be tolerated, but these predictions have not been confirmed by published functional studies and their clinical significance is uncertain. In summary, the available evidence is currently insufficient to determine the role of this variant in disease. Therefore, it has been classified as a Variant of Uncertain Significance.